The following is an entry in ClinVar:

ClinVar aggregate classification (germline): Pathogenic/Likely pathogenic. Review status: criteria provided, multiple submitters, no conflicts (2 of 4 stars). 22 submissions from 22 submitters: Pathogenic (17); Likely pathogenic (1). 4 of the submissions do not count toward it. Last evaluated 2026-01-25.

Conditions:
MSH6-related disorder. Also called: MSH6-related condition; MSH6-Related disorders.
Hereditary nonpolyposis colorectal neoplasms. Identifiers: MedGen C0009405, MeSH D003123.
Endometrial carcinoma. Also called: Endometrial carcinoma, somatic. Identifiers: MedGen C0476089, MONDO:0002447, OMIM 608089, HP:0012114.
Lynch syndrome 5 (LYNCH5). Also called: Colorectal cancer, hereditary nonpolyposis, type 5; Hereditary non-polyposis colorectal cancer, type 5. Identifiers: Orphanet 144, MedGen C1833477, MONDO:0013710, OMIM 614350. Disease mechanism: loss of function.
Mismatch repair cancer syndrome 3. Identifiers: MedGen C5436807, MONDO:0030841, OMIM 619097.
Breast and/or ovarian cancer. Identifiers: MedGen CN221562.
Hereditary cancer-predisposing syndrome. Also called: Neoplastic Syndromes, Hereditary; Tumor predisposition; Hereditary neoplastic syndrome; Hereditary Cancer Syndrome. Identifiers: Orphanet 140162, MedGen C0027672, MeSH D009386, MONDO:0015356.
Lynch syndrome. Identifiers: Orphanet 144, MedGen C4552100, MONDO:0005835. Disease mechanism: loss of function.
Carcinoma of colon (CRC). Also called: Colonic carcinoma; Colon carcinoma. Identifiers: MedGen C0699790, MONDO:0002032.
Mismatch repair cancer syndrome 1 (MMRCS1). Also called: BRAIN TUMOR-POLYPOSIS SYNDROME 1; BTP1 SYNDROME; CHILDHOOD CANCER SYNDROME; MISMATCH REPAIR DEFICIENCY; MMR DEFICIENCY. Identifiers: Orphanet 252202, MedGen C5399763, MONDO:0010159, OMIM 276300. Disease mechanism: loss of function.

Allele frequency attached by ClinVar (database versions not stated): gnomAD 0.00002; gnomAD exomes 0.00002; TOPMed 0.00002.
gnomAD v4.1: 21 of 1,611,488 alleles (0.0013%); highest among the groups gnomAD compares: Non-Finnish European, 0.0018%; no homozygotes.

Submissions 1 to 9 of 22:

Labcorp Genetics (formerly Invitae), Labcorp
Classification: Pathogenic for Hereditary nonpolyposis colorectal neoplasms. Last evaluated: 2026-01-25. Review status: criteria provided, single submitter. Criteria: Invitae Variant Classification Sherloc (09022015). Collection method: clinical testing. Allele origin: germline.
Comment: This sequence change creates a premature translational stop signal (p.Gln4*) in the MSH6 gene. It is expected to result in an absent or disrupted protein product. Loss-of-function variants in MSH6 are known to be pathogenic (PMID: 18269114, 24362816). This variant is present in population databases (rs786201042, gnomAD 0.004%). This premature translational stop signal has been observed in individual(s) with Lynch syndrome (PMID: 20028993, 25318681). It is commonly reported in individuals of French Canadian ancestry (PMID: 20028993, 25318681). Invitae Evidence Modeling of clinical and family history, age, sex, and reported ancestry of multiple individuals with this MSH6 variant has been performed. This variant is expected to be pathogenic with a positive predictive value of at least 99%. This is a validated machine learning model that incorporates the clinical features of 1,627,235 individuals referred to our laboratory for MSH6 testing. ClinVar contains an entry for this variant (Variation ID: 183723). For these reasons, this variant has been classified as Pathogenic.

Color Diagnostics, LLC DBA Color Health
Classification: Pathogenic for Hereditary cancer-predisposing syndrome. Last evaluated: 2025-12-15. Review status: criteria provided, single submitter. Criteria: ACMG Guidelines, 2015. Collection method: clinical testing. Allele origin: germline.
Comment: This variant changes 1 nucleotide in exon 1 of the MSH6 gene, creating a premature translation stop signal. This variant is expected to result in an absent or non-functional protein product. This variant has been reported in over 10 individuals and families diagnosed with Lynch syndrome (PMID: 20028993, 25318681, 28135145), endometrial cancer (PMID: 26845104, 31604779) and ovarian cancer (PMID: 29345684, 30322717). This variant has been described as a common founder mutation in the French Canadian population of Quebec (PMID: 25318681). This variant has been identified in 7/275906 chromosomes in the general population by the Genome Aggregation Database (gnomAD). Loss of MSH6 function is a known mechanism of disease. Based on the available evidence, this variant is classified as Pathogenic.

Mayo Clinic Laboratories, Mayo Clinic
Classification: Pathogenic. Last evaluated: 2025-11-02. Review status: criteria provided, single submitter. Criteria: ACMG Guidelines, 2015. Collection method: clinical testing. Allele origin: germline. Observed: 1 variant allele.
Comment: PP1_moderate, PP4_strong, PM2_supporting, PM3, PVS1

PreventionGenetics, part of Exact Sciences
Classification: Pathogenic for MSH6-related condition. Last evaluated: 2025-07-08. Review status: criteria provided, single submitter. Criteria: ACMG Guidelines, 2015. Collection method: clinical testing. Allele origin: germline.
Comment: The MSH6 c.10C>T variant is predicted to result in premature protein termination (p.Gln4*). This variant has been reported to be pathogenic for Lynch syndrome (Supplemental Table 1, Yurgelun et al. 2017. PubMed ID: 28135145), and reported as a common Lynch syndrome variant in the French Canadian population of Quebec (Castellsagué et al. 2014. PubMed ID: 25318681). This variant has been identified in individuals with ovarian tumor (Table S1, Carter et al. 2018. PubMed ID: 30322717), prostate cancer (Table S1, Wu et al. 2020. PubMed ID: 31948886), glioblastoma (Yang et al. 2019. PubMed ID: 31604779), endometrial cancer (Table S1, Tian et al. 2019. PubMed ID: 31054147), and in the homozygous state in an individual with constitutional mismatch repair deficiency (Perez-Valencia et al. 2020. PubMed ID: 32773772). This variant is reported in 0.0056% of alleles in individuals of European (non-Finnish) descent in gnomAD and has been interpreted as likely pathogenic and pathogenic in ClinVar (ClinVar ID: 183723). Nonsense variants in MSH6 are expected to be pathogenic. This variant is interpreted as pathogenic.

Ambry Genetics
Classification: Pathogenic for Hereditary cancer-predisposing syndrome. Last evaluated: 2025-04-18. Review status: criteria provided, single submitter. Criteria: Ambry Variant Classification Scheme 2023. Collection method: clinical testing. Allele origin: germline.
Comment: The p.Q4* pathogenic mutation (also known as c.10C>T), located in coding exon 1 of the MSH6 gene, results from a C to T substitution at nucleotide position 10. This changes the amino acid from a glutamine to a stop codon within coding exon 1. This variant was reported in individual(s) with features consistent with MSH6-related Lynch syndrome (Baglietto L et al. J. Natl. Cancer Inst. 2010 Feb;102(3):193-201; Shirts BH et al. Genet. Med. 2016 10;18:974-81; Yurgelun MB et al. J. Clin. Oncol. 2017 Apr 1;35(10):1086-1095) and has been described as a founder mutation in the French-Canadian population of Quebec (Castellsagu&eacute; E et al. Clin. Genet. 2015 Jun:87(6):536-42). This variant is considered to be rare based on population cohorts in the Genome Aggregation Database (gnomAD). In addition to the clinical data presented in the literature, this alteration is expected to result in loss of function by premature protein truncation or nonsense-mediated mRNA decay. As such, this alteration is interpreted as a disease-causing mutation.

All of Us Research Program, National Institutes of Health
Classification: Pathogenic for Lynch syndrome. Last evaluated: 2024-09-27. Review status: criteria provided, single submitter. Criteria: ACMG Guidelines, 2015. Collection method: clinical testing. Allele origin: germline. Inheritance: Autosomal dominant inheritance. Observed: 6 variant alleles, 6 heterozygotes.
Comment: The c.10C>T variant in the MSH6 gene is located on the exon 1 and introduces a premature translation termination codon (p.Gln4*), resulting in an absent or disrupted protein product. The variant has been reported in multiple individuals with Lynch syndrome-associated cancer and is a founder variant in French Canadian population and segregating in 2 families (PMID: 25318681, 25980754, 31604779, 28135145). The variant has also been reported in recessive state from an individual with constitutional MMR deficiency (CMMRD) syndrome (PMID: 32773772). Loss-of-function variants of MSH6 are known to be pathogenic (PMID: 30376427, 18269114, 29345684). Other loss-of-function variants located in the same exon (p.Met1Val, p.Pro57fs) have been interpreted as pathogenic (ClinVar ID: 1517490, 229952). This variant has been reported in ClinVar (ID: 183723). This variant is rare (21/1611488 chromosomes) in general population according to gnomAD. Therefore, the c.10C>T (p.Gln4*) variant in the MSH6 gene has been classified as pathogenic.

This study involves interpretation of variants in research participants for the purpose of population health screening. Participant phenotype was not available at the time of variant classification. Additional details can be found in publication PMID: 35346344, PMCID: PMC8962531

Blueprint Genetics
Classification: Pathogenic for MSH6-related disorders. Last evaluated: 2024-07-18. Review status: criteria provided, single submitter. Criteria: ACMG Guidelines, 2015. Collection method: clinical testing. Allele origin: germline. Affected: yes. Observed: 5 variant alleles.

Fulgent Genetics
Classification: Pathogenic for Endometrial carcinoma; Lynch syndrome 5; Mismatch repair cancer syndrome 3. Last evaluated: 2024-05-19. Review status: criteria provided, single submitter. Criteria: ACMG Guidelines, 2015. Collection method: clinical testing. Allele origin: germline.

Baylor Genetics
Classification: Pathogenic for Endometrial carcinoma. Last evaluated: 2023-12-20. Review status: criteria provided, single submitter. Criteria: ACMG Guidelines, 2015. Collection method: clinical testing. Allele origin: unknown.

NM_000179.3(MSH6):c.10C>T (p.Gln4Ter)

Gene: MSH6 (mutS homolog 6; plus strand). Cytogenetic location: 2p16.3.
Variant type: single nucleotide variant.
Coding change: c.10C>T on transcript NM_000179.3 (MANE Select); coding-DNA position 10, C replaced by T.
Protein change: p.Gln4Ter; replaces glutamine 4 with a stop codon.
Molecular consequence: nonsense. On other transcripts: 5 prime UTR variant (1).
Genome position (GRCh38, 1-based): chr2:47,783,243, C>T. VCF-style: chr2-47783243-C-T. GRCh37 (hg19) VCF-style: chr2-48010382-C-T.
Other names: c.10C>T, p.Gln4Ter (NM_001281492.2); c.-727C>T (NM_001281493.2); short protein forms Q4*.
Identifiers: ClinVar variation 183723 (VCV000183723.52), dbSNP rs786201042, ClinGen allele CA008028.